The following is an entry in ClinVar:

ClinVar aggregate classification (germline): Uncertain significance (1 of 4 stars; one submission).

Allele frequency attached by ClinVar (database versions not stated): gnomAD 0.00001; TOPMed 0.00001.
gnomAD v4.1: 2 of 1,613,444 alleles (0.00012%); highest among the groups gnomAD compares: African/African-American, 0.0013%; no homozygotes.

Submission:

Labcorp Genetics (formerly Invitae), Labcorp
Classification: Uncertain significance. Last evaluated: 2024-09-03. Review status: criteria provided, single submitter. Criteria: Invitae Variant Classification Sherloc (09022015). Collection method: clinical testing. Allele origin: germline.
Comment: This sequence change replaces valine, which is neutral and non-polar, with leucine, which is neutral and non-polar, at codon 608 of the HMCN1 protein (p.Val608Leu). This variant is present in population databases (rs767935181, gnomAD 0.007%). This variant has not been reported in the literature in individuals affected with HMCN1-related conditions. ClinVar contains an entry for this variant (Variation ID: 1992684). An algorithm developed to predict the effect of missense changes on protein structure and function (PolyPhen-2) suggests that this variant is likely to be disruptive. In summary, the available evidence is currently insufficient to determine the role of this variant in disease. Therefore, it has been classified as a Variant of Uncertain Significance.

NM_031935.3(HMCN1):c.1822G>C (p.Val608Leu)

Gene: HMCN1 (hemicentin 1; plus strand). Cytogenetic location: 1q31.1.
Variant type: single nucleotide variant.
Coding change: c.1822G>C on transcript NM_031935.3 (MANE Select); coding-DNA position 1822, G replaced by C.
Protein change: p.Val608Leu; replaces valine 608 with leucine.
Molecular consequence: missense variant.
Genome position (GRCh38, 1-based): chr1:185,933,818, G>C. VCF-style: chr1-185933818-G-C. GRCh37 (hg19) VCF-style: chr1-185902950-G-C.
Other names: short protein forms V608L.
Identifiers: ClinVar variation 1992684 (VCV001992684.4), dbSNP rs767935181, ClinGen allele CA1291201.